The following is an entry in ClinVar:

NM_001201397.2(EDNRB):c.161G>A (p.Arg54His)

Genes: EDNRB (endothelin receptor type B; minus strand), LOC107882129 (EDNRB proximal promoter region; plus strand). Cytogenetic location: 13q22.3.
Variant type: single nucleotide variant.
Coding change: c.161G>A on transcript NM_001201397.2; coding-DNA position 161, G replaced by A.
Protein change: p.Arg54His; replaces arginine 54 with histidine.
Molecular consequence: missense variant. On other transcripts: intron variant (1).
Genome position (GRCh38, 1-based): chr13:77,919,455, C>T on the plus strand (G>A on the coding strand, the complement: EDNRB is on the minus strand). VCF-style: chr13-77919455-C-T. GRCh37 (hg19) VCF-style: chr13-78493590-C-T.
Other names: c.-51-831G>A (NM_000115.5); short protein forms R54H.
Identifiers: ClinVar variation 4981118 (VCV004981118.1).

ClinVar aggregate classification (germline): Uncertain significance (1 of 4 stars; one submission).

Conditions:
EDNRB-related disorder. Also called: EDNRB-related condition; EDNRB-related disorders.

gnomAD v4.1: 42 of 1,612,642 alleles (0.0026%); highest among the groups gnomAD compares: African/African-American, 0.043%; no homozygotes.

Submission:

PreventionGenetics, part of Exact Sciences
Classification: Uncertain significance for EDNRB-related condition. Last evaluated: 2026-06-02. Review status: criteria provided, single submitter. Criteria: ACMG Guidelines, 2015. Collection method: clinical testing. Allele origin: germline.
Comment: The EDNRB c.161G>A variant is predicted to result in the amino acid substitution p.Arg54His. To our knowledge, this variant has not been reported in the literature. This variant is reported in 0.030% of alleles in individuals of African descent in gnomAD. At this time, the clinical significance of this variant is uncertain due to the absence of conclusive functional and genetic evidence.